The following is an entry in ClinVar:

ClinVar aggregate classification (germline): Uncertain significance (1 of 4 stars; one submission).

Conditions:
Primary ciliary dyskinesia. Also called: Ciliary dyskinesia. Identifiers: Orphanet 244, MedGen C0008780, MONDO:0016575, HP:0012265.

Allele frequency attached by ClinVar (database versions not stated): TOPMed below 0.00001; gnomAD 0.00001.

Submission:

Labcorp Genetics (formerly Invitae), Labcorp
Classification: Uncertain significance for Primary ciliary dyskinesia. Last evaluated: 2023-10-18. Review status: criteria provided, single submitter. Criteria: Invitae Variant Classification Sherloc (09022015). Collection method: clinical testing. Allele origin: germline.
Comment: This sequence change replaces arginine, which is basic and polar, with serine, which is neutral and polar, at codon 3065 of the DNAH8 protein (p.Arg3065Ser). This variant is not present in population databases (gnomAD no frequency). This variant has not been reported in the literature in individuals affected with DNAH8-related conditions. Experimental studies and prediction algorithms are not available or were not evaluated, and the functional significance of this variant is currently unknown. Algorithms developed to predict the effect of sequence changes on RNA splicing suggest that this variant may disrupt the consensus splice site. In summary, the available evidence is currently insufficient to determine the role of this variant in disease. Therefore, it has been classified as a Variant of Uncertain Significance.

NM_001206927.2(DNAH8):c.9195G>T (p.Arg3065Ser)

Gene: DNAH8 (dynein axonemal heavy chain 8; plus strand). Cytogenetic location: 6p21.2.
Variant type: single nucleotide variant.
Coding change: c.9195G>T on transcript NM_001206927.2 (MANE Select); coding-DNA position 9195, G replaced by T.
Protein change: p.Arg3065Ser; replaces arginine 3065 with serine.
Molecular consequence: missense variant.
Genome position (GRCh38, 1-based): chr6:38,906,254, G>T. VCF-style: chr6-38906254-G-T. GRCh37 (hg19) VCF-style: chr6-38874030-G-T.
Other names: c.8544G>T, p.Arg2848Ser (NM_001371.4); short protein forms R2848S, R3065S.
Identifiers: ClinVar variation 3010884 (VCV003010884.3), dbSNP rs1339146673, ClinGen allele CA364001142.